The following is an entry in ClinVar:

ClinVar aggregate classification (germline): Conflicting classifications of pathogenicity. Review status: criteria provided, conflicting classifications (1 of 4 stars). 3 submissions from 3 submitters: Uncertain significance (1); Likely benign (2). Last evaluated 2025-12-06.

Allele frequency attached by ClinVar (database versions not stated): ExAC 0.00002; gnomAD exomes 0.00002 and 0.00003; TOPMed 0.00004; gnomAD 0.00005.
gnomAD v4.1: 57 of 1,613,988 alleles (0.0035%); highest among the groups gnomAD compares: African/African-American, 0.055%; 1 homozygote.

Submissions (3):

GeneDx
Classification: Uncertain significance. Last evaluated: 2025-12-06. Review status: criteria provided, single submitter. Criteria: GeneDx Variant Classification Process June 2021. Collection method: clinical testing. Allele origin: germline. Affected: yes.
Comment: Has not been previously published as pathogenic or benign to our knowledge; Not observed at significant frequency in large population cohorts (gnomAD); In silico analysis suggests this variant may impact gene splicing. In the absence of RNA/functional studies, the actual effect of this sequence change is unknown.

Labcorp Genetics (formerly Invitae), Labcorp
Classification: Likely benign. Last evaluated: 2025-11-28. Review status: criteria provided, single submitter. Criteria: Invitae Variant Classification Sherloc (09022015). Collection method: clinical testing. Allele origin: germline.

Blueprint Genetics
Classification: Likely benign. Last evaluated: 2024-09-13. Review status: criteria provided, single submitter. Criteria: ACMG Guidelines, 2015. Collection method: clinical testing. Allele origin: germline.

NM_080680.3(COL11A2):c.291A>G (p.Gln97=)

Gene: COL11A2 (collagen type XI alpha 2 chain; minus strand). Cytogenetic location: 6p21.32.
Variant type: single nucleotide variant.
Coding change: c.291A>G on transcript NM_080680.3 (MANE Select); coding-DNA position 291, A replaced by G.
Protein change: p.Gln97=; no amino-acid change (glutamine 97 retained).
Molecular consequence: synonymous variant.
Genome position (GRCh38, 1-based): chr6:33,189,130, T>C on the plus strand (A>G on the coding strand, the complement: COL11A2 is on the minus strand). VCF-style: chr6-33189130-T-C. GRCh37 (hg19) VCF-style: chr6-33156907-T-C.
Other names: c.291A>G, p.Gln97= (NM_080679.3, NM_080681.3, NM_001163771.2).
Identifiers: ClinVar variation 1200313 (VCV001200313.13), dbSNP rs538869102, ClinGen allele CA3751699.
Genomic context (GRCh38, chr6:33,189,130, plus strand): 5'-GCCCAGCTCCAGGCCCAGCTGTCGGACACCCTGGGCACTGTAGAGAGTCAGGAGGGGAGC[T>C]TGGAGACCAGGGCGGGTCCGGACAACAGTCAGCAGAGAGAAATCTTTGGGAAATCCTCCT-3'
Protein context (NP_542411.2, residues 87-107): LTVVRTRPGL[Gln97=]APLLTLYSAQ